The following is an entry in ClinVar:

NM_000138.5(FBN1):c.2677G>A (p.Asp893Asn)

Gene: FBN1 (fibrillin 1; minus strand). Cytogenetic location: 15q21.1.
Variant type: single nucleotide variant.
Coding change: c.2677G>A on transcript NM_000138.5 (MANE Select); coding-DNA position 2677, G replaced by A.
Protein change: p.Asp893Asn; replaces aspartic acid 893 with asparagine.
Molecular consequence: missense variant.
Genome position (GRCh38, 1-based): chr15:48,495,123, C>T on the plus strand (G>A on the coding strand, the complement: FBN1 is on the minus strand). VCF-style: chr15-48495123-C-T. GRCh37 (hg19) VCF-style: chr15-48787320-C-T.
Other names: short protein forms D893N.
Identifiers: ClinVar variation 549101 (VCV000549101.5), dbSNP rs193922193, ClinGen allele CA392331869.

ClinVar aggregate classification (germline): Conflicting classifications of pathogenicity. Review status: criteria provided, conflicting classifications (1 of 4 stars). 3 submissions from 3 submitters: Likely pathogenic (1); Uncertain significance (1). 1 of the submissions does not count toward it. Last evaluated 2025-07-15.

Conditions:
Familial thoracic aortic aneurysm and aortic dissection (TAAD). Also called: Thoracic aortic aneurysms and dissections. Identifiers: Orphanet 91387, MedGen C4707243, MONDO:0019625.
Marfan syndrome (MFS). Also called: Marfan syndrome type 1; Marfan syndrome, classic; Marfan's syndrome; FBN1-Related Marfan Syndrome; MARFAN SYNDROME, TYPE I. Identifiers: Orphanet 284963, Orphanet 558, MedGen C0024796, MONDO:0007947, OMIM 154700.

Submissions (3):

Labcorp Genetics (formerly Invitae), Labcorp
Classification: Uncertain significance for Marfan syndrome; Familial thoracic aortic aneurysm and aortic dissection. Last evaluated: 2025-07-15. Review status: criteria provided, single submitter. Criteria: Invitae Variant Classification Sherloc (09022015). Collection method: clinical testing. Allele origin: germline.
Comment: This sequence change replaces aspartic acid, which is acidic and polar, with asparagine, which is neutral and polar, at codon 893 of the FBN1 protein (p.Asp893Asn). This variant also falls at the last nucleotide of exon 22, which is part of the consensus splice site for this exon. This variant is not present in population databases (gnomAD no frequency). This missense change has been observed in individual(s) with clinical features of Marfan syndrome (PMID: 11700157; internal data). ClinVar contains an entry for this variant (Variation ID: 549101). An algorithm developed to predict the effect of missense changes on protein structure and function (PolyPhen-2) suggests that this variant is likely to be disruptive. Variants that disrupt the consensus splice site are a relatively common cause of aberrant splicing (PMID: 17576681, 9536098). Algorithms developed to predict the effect of sequence changes on RNA splicing suggest that this variant may disrupt the consensus splice site. In summary, the available evidence is currently insufficient to determine the role of this variant in disease. Therefore, it has been classified as a Variant of Uncertain Significance.

Ambry Genetics
Classification: Likely pathogenic for Familial thoracic aortic aneurysm and aortic dissection. Last evaluated: 2020-10-30. Review status: criteria provided, single submitter. Criteria: Ambry Variant Classification Scheme 2023. Collection method: clinical testing. Allele origin: germline.
Comment: The p.D893N variant (also known as c.2677G>A), located in coding exon 21 of the FBN1 gene, results from a G to A substitution at nucleotide position 2677. The amino acid change results in aspartic acid to asparagine at codon 893, an amino acid with highly similar properties. However, this change occurs in the last base pair of coding exon 21, which makes it likely to have some effect on normal mRNA splicing. This variant has been detected in an individual reported to have Marfan syndrome (Loeys B et al. Arch Intern Med, 2001 Nov;161:2447-54). The nucleotide and amino acid positions are highly conserved in available vertebrate species. In silico splice site analysis predicts that this alteration will weaken the native splice donor site and will result in the creation or strengthening of a novel splice donor site. In addition, as a missense substitution this is predicted to be tolerated by in silico analysis. Based on the majority of available evidence to date, this variant is likely to be pathogenic.

Center for Medical Genetics Ghent, University of Ghent
Classification: Uncertain significance for Marfan syndrome. Last evaluated: 2017-11-07. Review status: no assertion criteria provided. Collection method: clinical testing. Allele origin: germline. Affected: yes. Not counted in ClinVar's aggregate classification.

Literature cited by the submitters: PubMed 11700157 (cited by Labcorp Genetics (formerly Invitae), Labcorp and Ambry Genetics); PubMed 17576681 (cited by Labcorp Genetics (formerly Invitae), Labcorp); PubMed 9536098 (cited by Labcorp Genetics (formerly Invitae), Labcorp); PubMed 15241795 (cited by Ambry Genetics).